The following is an entry in ClinVar:

ClinVar aggregate classification (germline): Uncertain significance (1 of 4 stars; one submission).

Conditions:
Alpha thalassemia-X-linked intellectual disability syndrome (ATRX). Also called: ALPHA-THALASSEMIA/MENTAL RETARDATION SYNDROME, X-LINKED; ATR, NONDELETION TYPE; ATR-X syndrome; Alpha thalassemia mental retardation syndrome, nondeletion type, X-linked; XLMR hypotonic face syndrome; X-linked alpha-thalassemia-mental retardation syndrome. Identifiers: Orphanet 847, MedGen C1845055, MONDO:0010519, OMIM 301040.

Submission:

Labcorp Genetics (formerly Invitae), Labcorp
Classification: Uncertain significance for Alpha thalassemia-X-linked intellectual disability syndrome. Last evaluated: 2024-05-14. Review status: criteria provided, single submitter. Criteria: Invitae Variant Classification Sherloc (09022015). Collection method: clinical testing. Allele origin: germline.
Comment: This variant, c.4374_4391dup, results in the insertion of 6 amino acid(s) of the ATRX protein (p.Glu1459_Glu1464dup), but otherwise preserves the integrity of the reading frame. The frequency data for this variant in the population databases is considered unreliable, as metrics indicate poor data quality at this position in the gnomAD database. This variant has not been reported in the literature in individuals affected with ATRX-related conditions. Experimental studies and prediction algorithms are not available or were not evaluated, and the functional significance of this variant is currently unknown. In summary, the available evidence is currently insufficient to determine the role of this variant in disease. Therefore, it has been classified as a Variant of Uncertain Significance.

NM_000489.6(ATRX):c.4356GGAGGAAGAGGAGGAGGA[3] (p.Glu1464_Asp1465insGluGluGluGluGluGlu)

Gene: ATRX (ATRX chromatin remodeler; minus strand). Cytogenetic location: Xq21.1.
Variant type: Microsatellite.
Coding change: c.4356GGAGGAAGAGGAGGAGGA[3] on transcript NM_000489.6 (MANE Select); three copies in a row of the 18-base unit GGAGGAAGAGGAGGAGGA starting at c.4356; the reference has two copies in a row; one copy, 18 bases duplicated.
Protein change: p.Glu1464_Asp1465insGluGluGluGluGluGlu.
Genome position (GRCh38, 1-based): chrX:77,652,280-77,652,297, TCCTCCTCCTCTTCCTCC duplicated on the plus strand (GGAGGAAGAGGAGGAGGA on the coding strand, the reverse complement: ATRX is on the minus strand); duplicating any 18 consecutive bases within chrX:77,652,280-77,652,320 gives the same sequence; the position shown is the placement nearest the transcript's 3' end. VCF-style (leftmost placement, unchanged base first): chrX-77652279-T-TTCCTCCTCCTCTTCCTCC. GRCh37 (hg19) VCF-style: chrX-76907769-T-TTCCTCCTCCTCTTCCTCC.
Other names: c.4242GGAGGAAGAGGAGGAGGA[3], p.Glu1426_Asp1427insGluGluGluGluGluGlu (NM_138270.5).
Identifiers: ClinVar variation 3667603 (VCV003667603.2).